The following is an entry in ClinVar:

NM_152773.5(DYNLT2B):c.356A>G (p.Asn119Ser)

Gene: DYNLT2B (dynein light chain Tctex-type 2B; minus strand). Cytogenetic location: 3q29.
Variant type: single nucleotide variant.
Coding change: c.356A>G on transcript NM_152773.5 (MANE Select); coding-DNA position 356, A replaced by G.
Protein change: p.Asn119Ser; replaces asparagine 119 with serine.
Molecular consequence: missense variant.
Genome position (GRCh38, 1-based): chr3:196,296,031, T>C on the plus strand (A>G on the coding strand, the complement: DYNLT2B is on the minus strand). VCF-style: chr3-196296031-T-C. GRCh37 (hg19) VCF-style: chr3-196022902-T-C.
Other names: c.356A>G, p.Asn119Ser (NM_001351628.2); c.356A>G (NM_152773.4); short protein forms N119S.
Identifiers: ClinVar variation 2154141 (VCV002154141.3), dbSNP rs202024763, ClinGen allele CA2779724.

ClinVar aggregate classification (germline): Uncertain significance. Review status: criteria provided, multiple submitters, no conflicts (2 of 4 stars). 2 submissions from 2 submitters: Uncertain significance (2). Last evaluated 2025-08-10.

Allele frequency attached by ClinVar (database versions not stated): gnomAD 0.00003; TOPMed 0.00003; ExAC 0.00004; gnomAD exomes 0.00004; ESP Exome Variant Server 0.00008.
gnomAD v4.1: 58 of 1,613,962 alleles (0.0036%); highest among the groups gnomAD compares: Non-Finnish European, 0.0047%; no homozygotes.

Submissions (2):

Ambry Genetics
Classification: Uncertain significance. Last evaluated: 2025-08-10. Review status: criteria provided, single submitter. Criteria: Ambry Variant Classification Scheme 2023. Collection method: clinical testing. Allele origin: germline.

Labcorp Genetics (formerly Invitae), Labcorp
Classification: Uncertain significance. Last evaluated: 2024-11-16. Review status: criteria provided, single submitter. Criteria: Invitae Variant Classification Sherloc (09022015). Collection method: clinical testing. Allele origin: germline.
Comment: This sequence change replaces asparagine, which is neutral and polar, with serine, which is neutral and polar, at codon 119 of the TCTEX1D2 protein (p.Asn119Ser). This variant is present in population databases (rs202024763, gnomAD 0.01%). This variant has not been reported in the literature in individuals affected with TCTEX1D2-related conditions. ClinVar contains an entry for this variant (Variation ID: 2154141). An algorithm developed to predict the effect of missense changes on protein structure and function (PolyPhen-2) suggests that this variant¬†is likely to be tolerated. In summary, the available evidence is currently insufficient to determine the role of this variant in disease. Therefore, it has been classified as a Variant of Uncertain Significance.